The following is an entry in ClinVar:

NM_053013.4(ENO3):c.77C>T (p.Thr26Met)

Gene: ENO3 (enolase 3; plus strand). Cytogenetic location: 17p13.2.
Variant type: single nucleotide variant.
Coding change: c.77C>T on transcript NM_053013.4 (MANE Select); coding-DNA position 77, C replaced by T.
Protein change: p.Thr26Met; replaces threonine 26 with methionine.
Molecular consequence: missense variant.
Genome position (GRCh38, 1-based): chr17:4,951,906, C>T. VCF-style: chr17-4951906-C-T. GRCh37 (hg19) VCF-style: chr17-4855201-C-T.
Other names: c.77C>T, p.Thr26Met (NM_001193503.2, NM_001976.5); short protein forms T26M.
Identifiers: ClinVar variation 596813 (VCV000596813.8), dbSNP rs199677913, ClinGen allele CA8316079.

ClinVar aggregate classification (germline): Uncertain significance. Review status: criteria provided, multiple submitters, no conflicts (2 of 4 stars). 2 submissions from 2 submitters: Uncertain significance (2). Last evaluated 2024-02-17.

Conditions:
Glycogen storage disease due to muscle beta-enolase deficiency (GSD13). Also called: ENOLASE 3 DEFICIENCY; ENOLASE-BETA DEFICIENCY; GSD XIII; Glycogen Storage Disease Type XIII. Identifiers: Orphanet 99849, MedGen C2752027, MONDO:0013046, OMIM 612932.

Submissions (2):

Labcorp Genetics (formerly Invitae), Labcorp
Classification: Uncertain significance for Glycogen storage disease due to muscle beta-enolase deficiency. Last evaluated: 2024-02-17. Review status: criteria provided, single submitter. Criteria: Invitae Variant Classification Sherloc (09022015). Collection method: clinical testing. Allele origin: germline.
Comment: This sequence change replaces threonine, which is neutral and polar, with methionine, which is neutral and non-polar, at codon 26 of the ENO3 protein (p.Thr26Met). This variant is present in population databases (rs199677913, gnomAD 0.02%). This variant has not been reported in the literature in individuals affected with ENO3-related conditions. ClinVar contains an entry for this variant (Variation ID: 596813). Advanced modeling of protein sequence and biophysical properties (such as structural, functional, and spatial information, amino acid conservation, physicochemical variation, residue mobility, and thermodynamic stability) performed at Invitae indicates that this missense variant is expected to disrupt ENO3 protein function with a positive predictive value of 80%. In summary, the available evidence is currently insufficient to determine the role of this variant in disease. Therefore, it has been classified as a Variant of Uncertain Significance.

Eurofins Ntd Llc (ga)
Classification: Uncertain significance. Last evaluated: 2018-04-05. Review status: criteria provided, single submitter. Criteria: EGL ClinVar v180209 classification definitions. Collection method: clinical testing. Allele origin: germline. Observed: 1 variant allele, 1 heterozygote.